The following is an entry in ClinVar:

NM_006502.3(POLH):c.*639G>A

Gene: POLH (DNA polymerase eta; plus strand). Cytogenetic location: 6p21.1.
Variant type: single nucleotide variant.
Coding change: c.*639G>A on transcript NM_006502.3 (MANE Select); 639 bases downstream of the stop codon, G replaced by A.
Molecular consequence: 3 prime UTR variant.
Genome position (GRCh38, 1-based): chr6:43,615,196, G>A. VCF-style: chr6-43615196-G-A. GRCh37 (hg19) VCF-style: chr6-43582933-G-A.
Other names: c.*639G>A (NM_001291969.2); c.*1465G>A (NM_001291970.2).
Identifiers: ClinVar variation 356921 (VCV000356921.7), dbSNP rs9333557, ClinGen allele CA10624001.

ClinVar aggregate classification (germline): Likely benign (1 of 4 stars; one submission).

Conditions:
Xeroderma pigmentosum variant type. Also called: POLH-Related Xeroderma Pigmentosum; PHOTOSENSITIVITY WITH DEFECTIVE DNA SYNTHESIS; XERODERMA PIGMENTOSUM WITH NORMAL DNA REPAIR RATES. Identifiers: Orphanet 90342, MedGen C1848410, MONDO:0010214, OMIM 278750.

Allele frequency attached by ClinVar (database versions not stated): gnomAD exomes 0.00200; gnomAD 0.00444; TOPMed 0.00635; 1000 Genomes Project 0.00639; 1000 Genomes Project 30x 0.00703.
gnomAD v4.1: 670 of 152,734 alleles (0.44%); highest among the groups gnomAD compares: Admixed American, 4.2%; 17 homozygotes.

Submission:

Illumina Laboratory Services, Illumina
Classification: Likely benign for Xeroderma pigmentosum variant type. Last evaluated: 2017-04-27. Review status: criteria provided, single submitter. Criteria: ICSL Variant Classification Criteria 13 December 2019. Collection method: clinical testing. Allele origin: germline.
Comment: This variant was observed as part of a predisposition screen in an ostensibly healthy population. A literature search was performed for the gene, cDNA change, and amino acid change (where applicable). No publications were found based on this search. Allele frequency data from public databases allowed determination this variant is unlikely to cause disease. Therefore, this variant is classified as likely benign.